The following is an entry in ClinVar:

ClinVar aggregate classification (germline): Uncertain significance (1 of 4 stars; one submission).

Conditions:
Primary dilated cardiomyopathy (DCM). Also called: Dilated Cardiomyopathy. Identifiers: Orphanet 217604, MedGen C0007193, MeSH D002311, MONDO:0005021, HP:0001644. Inheritance: Various modes of inheritance.

Allele frequency attached by ClinVar (database versions not stated): TOPMed 0.00002.
gnomAD v4.1: 70 of 1,595,492 alleles (0.0044%); highest among the groups gnomAD compares: Admixed American, 0.01%; no homozygotes.

Submission:

Labcorp Genetics (formerly Invitae), Labcorp
Classification: Uncertain significance for Primary dilated cardiomyopathy. Last evaluated: 2025-09-22. Review status: criteria provided, single submitter. Criteria: Invitae Variant Classification Sherloc (09022015). Collection method: clinical testing. Allele origin: germline.
Comment: This sequence change affects a donor splice site in intron 9 of the NEBL gene. It is expected to disrupt RNA splicing. Variants that disrupt the donor or acceptor splice site typically lead to a loss of protein function (PMID: 16199547), however the current clinical and genetic evidence is not sufficient to establish whether loss-of-function variants in NEBL cause disease. This variant is present in population databases (rs775057540, gnomAD 0.01%). Disruption of this splice site has been observed in individual(s) with clinical features of NEBL-related conditions (PMID: 29915097). ClinVar contains an entry for this variant (Variation ID: 835582). In summary, the available evidence is currently insufficient to determine the role of this variant in disease. Therefore, it has been classified as a Variant of Uncertain Significance.

Literature cited by the submitters: PubMed 16199547; PubMed 29915097.

NM_006393.3(NEBL):c.903+1G>A

Gene: NEBL (nebulette; minus strand). Cytogenetic location: 10p12.31.
Variant type: single nucleotide variant.
Coding change: c.903+1G>A on transcript NM_006393.3 (MANE Select); the canonical splice donor site of the intron after coding-DNA position 903, G replaced by A.
Molecular consequence: splice donor variant. On other transcripts: intron variant (9).
Genome position (GRCh38, 1-based): chr10:20,858,239, C>T on the plus strand (G>A on the coding strand, the complement: NEBL is on the minus strand). VCF-style: chr10-20858239-C-T. GRCh37 (hg19) VCF-style: chr10-21147168-C-T.
Other names: c.250-45299G>A (NM_001377326.1, NM_001377327.1, NM_001377328.1); c.358-45299G>A (NM_213569.2, NM_001173484.2, NM_001377322.1); c.301-45299G>A (NM_001377324.1); c.292-45299G>A (NM_001377325.1); c.310-45299G>A (NM_001377323.1).
Identifiers: ClinVar variation 835582 (VCV000835582.8), dbSNP rs775057540, ClinGen allele CA5433067.